The following is an entry in ClinVar:

ClinVar aggregate classification (germline): Uncertain significance (1 of 4 stars; one submission).

Allele frequency attached by ClinVar (database versions not stated): gnomAD exomes below 0.00001; ExAC 0.00001; gnomAD 0.00001; TOPMed 0.00001.
gnomAD v4.1: 3 of 1,613,924 alleles (0.00019%); highest among the groups gnomAD compares: East Asian, 0.0022%; no homozygotes.

Submission:

Labcorp Genetics (formerly Invitae), Labcorp
Classification: Uncertain significance. Last evaluated: 2022-05-31. Review status: criteria provided, single submitter. Criteria: Invitae Variant Classification Sherloc (09022015). Collection method: clinical testing. Allele origin: germline.
Comment: This sequence change replaces lysine, which is basic and polar, with arginine, which is basic and polar, at codon 1013 of the SBF1 protein (p.Lys1013Arg). This variant is present in population databases (rs768359222, gnomAD 0.006%). This variant has not been reported in the literature in individuals affected with SBF1-related conditions. Algorithms developed to predict the effect of missense changes on protein structure and function (SIFT, PolyPhen-2, Align-GVGD) all suggest that this variant is likely to be tolerated. In summary, the available evidence is currently insufficient to determine the role of this variant in disease. Therefore, it has been classified as a Variant of Uncertain Significance.

NM_002972.4(SBF1):c.3038A>G (p.Lys1013Arg)

Gene: SBF1 (SET binding factor 1; minus strand). Cytogenetic location: 22q13.33.
Variant type: single nucleotide variant.
Coding change: c.3038A>G on transcript NM_002972.4 (MANE Select); coding-DNA position 3038, A replaced by G.
Protein change: p.Lys1013Arg; replaces lysine 1013 with arginine.
Molecular consequence: missense variant.
Genome position (GRCh38, 1-based): chr22:50,460,642, T>C on the plus strand (A>G on the coding strand, the complement: SBF1 is on the minus strand). VCF-style: chr22-50460642-T-C. GRCh37 (hg19) VCF-style: chr22-50899071-T-C.
Other names: c.3041A>G, p.Lys1014Arg (NM_001365819.1, NM_001410794.1); c.3038A>G, p.Lys1013Arg (NM_001410795.1, NM_197971.1); short protein forms K1013R, K1014R.
Identifiers: ClinVar variation 1918527 (VCV001918527.5), dbSNP rs768359222, ClinGen allele CA10316908.